The following is an entry in ClinVar:

ClinVar aggregate classification (germline): Likely benign. Review status: criteria provided, single submitter (1 of 4 stars). 2 submissions from 2 submitters: Likely benign (1). 1 of the submissions does not count toward it. Last evaluated 2025-09-04.

Conditions:
INPP5E-related disorder. Also called: INPP5E-related condition.
Joubert syndrome. Also called: CEREBELLOPARENCHYMAL DISORDER IV; JOUBERT-BOLTSHAUSER SYNDROME; Familial aplasia of the vermis. Identifiers: Orphanet 475, MedGen C5979921, MONDO:0018772.

Allele frequency attached by ClinVar (database versions not stated): gnomAD 0.00001; TOPMed 0.00002.

Submissions (2):

Labcorp Genetics (formerly Invitae), Labcorp
Classification: Likely benign for Joubert syndrome. Last evaluated: 2025-09-04. Review status: criteria provided, single submitter. Criteria: Invitae Variant Classification Sherloc (09022015). Collection method: clinical testing. Allele origin: germline.

PreventionGenetics, part of Exact Sciences
Classification: Likely benign for INPP5E-related condition. Last evaluated: 2021-12-03. Review status: no assertion criteria provided. Collection method: clinical testing. Allele origin: germline. Not counted in ClinVar's aggregate classification.
Comment: This variant is classified as likely benign based on ACMG/AMP sequence variant interpretation guidelines (Richards et al. 2015 PMID: 25741868, with internal and published modifications).

NM_019892.6(INPP5E):c.84C>T (p.Pro28=)

Gene: INPP5E (inositol polyphosphate-5-phosphatase E; minus strand). Cytogenetic location: 9q34.3.
Variant type: single nucleotide variant.
Coding change: c.84C>T on transcript NM_019892.6 (MANE Select); coding-DNA position 84, C replaced by T.
Protein change: p.Pro28=; no amino-acid change (proline 28 retained).
Molecular consequence: synonymous variant.
Genome position (GRCh38, 1-based): chr9:136,439,336, G>A on the plus strand (C>T on the coding strand, the complement: INPP5E is on the minus strand). VCF-style: chr9-136439336-G-A. GRCh37 (hg19) VCF-style: chr9-139333788-G-A.
Other names: c.84C>T, p.Pro28= (NM_001318502.2); c.84C>T (NM_019892.5).
Identifiers: ClinVar variation 700292 (VCV000700292.8), dbSNP rs1324639364, ClinGen allele CA467722816.